The following is an entry in ClinVar:

NM_001739.2(CA5A):c.555G>A (p.Lys185=)

Gene: CA5A (carbonic anhydrase 5A; minus strand). Cytogenetic location: 16q24.2.
Variant type: single nucleotide variant.
Coding change: c.555G>A on transcript NM_001739.2 (MANE Select); coding-DNA position 555, G replaced by A.
Protein change: p.Lys185=; no amino-acid change (lysine 185 retained).
Molecular consequence: synonymous variant. On other transcripts: non-coding transcript variant (2).
Genome position (GRCh38, 1-based): chr16:87,902,425, C>T on the plus strand (G>A on the coding strand, the complement: CA5A is on the minus strand). VCF-style: chr16-87902425-C-T. GRCh37 (hg19) VCF-style: chr16-87936031-C-T.
Other names: skippingexon4(p.Leu154_Lys185del); skipping exon 4 (p.Leu154_Lys185del); 555G-A; c.555G>A, p.Lys185= (NM_001367225.1).
Identifiers: ClinVar variation 127088 (VCV000127088.12), dbSNP rs147623570, ClinGen allele CA345529.

ClinVar aggregate classification (germline): Conflicting classifications of pathogenicity. Review status: criteria provided, conflicting classifications (1 of 4 stars). 7 submissions from 7 submitters: Likely pathogenic (4); Uncertain significance (1). 2 of the submissions do not count toward it. Last evaluated 2026-02-25.

Conditions:
CA5A-related disorder. Also called: CA5A-related condition.
Hyperammonemic encephalopathy due to carbonic anhydrase VA deficiency. Also called: Carbonic anhydrase VA deficiency, hyperammonemia due to; Carbonic Anhydrase VA Deficiency. Identifiers: Orphanet 401948, MedGen C4706871, MONDO:0014332, OMIM 615751.

Allele frequency attached by ClinVar (database versions not stated): gnomAD 0.00011; gnomAD exomes 0.00017 and 0.00016; TOPMed 0.00010; ExAC 0.00012.
gnomAD v4.1: 242 of 1,594,748 alleles (0.015%); highest among the groups gnomAD compares: Non-Finnish European, 0.02%; no homozygotes.

Submissions (7):

PreventionGenetics, part of Exact Sciences
Classification: Likely pathogenic for CA5A-related condition. Last evaluated: 2026-02-25. Review status: criteria provided, single submitter. Criteria: ACMG Guidelines, 2015. Collection method: clinical testing. Allele origin: germline.
Comment: The CA5A c.555G>A variant is not predicted to result in an amino acid change (p.=). This variant is predicted to impact splicing by weakening the canonical donor splice site at the junction of exon 4 and intron 4, based on available splicing prediction programs (SpliceAI, Jaganathan et al. 2019. PubMed ID: 30661751; Alamut Visual Plus v1.6.1). This variant was reported in the homozygous state in a patient with carbonic anhydrase VA deficiency, and was shown to lead to skipping of exon 4 (van Karnebeek et al. 2014. PubMed ID: 24530203; Diez-Fernandez et al. 2016. PubMed ID: 26913920). This variant is reported in 0.033% of alleles in individuals of European (Non-Finnish) descent in gnomAD. This variant is interpreted as likely pathogenic.

Institute of Human Genetics, University of Leipzig Medical Center
Classification: Likely pathogenic for Hyperammonemic encephalopathy due to carbonic anhydrase VA deficiency. Last evaluated: 2026-02-02. Review status: criteria provided, single submitter. Criteria: ACMG Guidelines, 2015. Collection method: clinical testing. Allele origin: unknown. Inheritance: Autosomal recessive inheritance. Affected: yes.
Comment: Criteria applied: PVS1_STR,PM3,PP4

Blueprint Genetics
Classification: Likely pathogenic for CA5A-related disorders. Last evaluated: 2024-10-02. Review status: criteria provided, single submitter. Criteria: ACMG Guidelines, 2015. Collection method: clinical testing. Allele origin: germline. Affected: yes. Observed: 5 variant alleles.

Labcorp Genetics (formerly Invitae), Labcorp
Classification: Uncertain significance for Hyperammonemic encephalopathy due to carbonic anhydrase VA deficiency. Last evaluated: 2024-01-03. Review status: criteria provided, single submitter. Criteria: Invitae Variant Classification Sherloc (09022015). Collection method: clinical testing. Allele origin: germline.
Comment: This sequence change affects codon 185 of the CA5A mRNA. It is a 'silent' change, meaning that it does not change the encoded amino acid sequence of the CA5A protein. RNA analysis indicates that this variant induces altered splicing and likely results in a shortened protein product. This variant is present in population databases (rs147623570, gnomAD 0.03%). This variant has been observed in individual(s) with carbonic anhydrase VA deficiency (PMID: 24530203). ClinVar contains an entry for this variant (Variation ID: 127088). Variants that disrupt the consensus splice site are a relatively common cause of aberrant splicing (PMID: 17576681, 9536098). Studies have shown that this variant results in skipping of exon 4, but is expected to preserve the integrity of the reading-frame (PMID: 24530203). In summary, the available evidence is currently insufficient to determine the role of this variant in disease. Therefore, it has been classified as a Variant of Uncertain Significance.

GeneDx
Classification: Likely pathogenic. Last evaluated: 2021-10-16. Review status: criteria provided, single submitter. Criteria: GeneDx Variant Classification Process June 2021. Collection method: clinical testing. Allele origin: germline. Affected: yes.
Comment: Published functional studies demonstrate a damaging effect (van Karnebeek et al., 2014; Diez-Fernandez et al., 2016); This variant is associated with the following publications: (PMID: 26913920, 24530203, 25834911)

OMIM
Classification: Pathogenic for CARBONIC ANHYDRASE VA DEFICIENCY, HYPERAMMONEMIA DUE TO. Last evaluated: 2014-03-06. Review status: no assertion criteria provided. Collection method: literature only. Allele origin: germline. Not counted in ClinVar's aggregate classification.

GeneReviews
No classification provided. Condition: Hyperammonemic encephalopathy due to carbonic anhydrase VA deficiency. Review status: no classification provided. Collection method: literature only. Allele origin: germline. Affected: yes. Not counted in ClinVar's aggregate classification.
Comment: mRNA analysis documented an in-frame deletion of exon 4, p.Leu154_Lys185del

Literature cited by the submitters: PubMed 24530203 (cited by 3 submitters); PubMed 17576681 (cited by Labcorp Genetics (formerly Invitae), Labcorp); PubMed 9536098 (cited by Labcorp Genetics (formerly Invitae), Labcorp); NCBI Bookshelf NBK284774 (cited by GeneReviews).